The following is an entry in ClinVar:

ClinVar aggregate classification (germline): Uncertain significance (1 of 4 stars; one submission).

Conditions:
NPHP1-related disorder. Also called: NPHP1-related condition; NPHP1-related disorders.

Submission:

PreventionGenetics, part of Exact Sciences
Classification: Uncertain significance for NPHP1-related condition. Last evaluated: 2025-03-31. Review status: criteria provided, single submitter. Criteria: ACMG Guidelines, 2015. Collection method: clinical testing. Allele origin: germline.
Comment: The NPHP1 c.1023G>C variant is predicted to result in the amino acid substitution p.Glu341Asp. To our knowledge, this variant has not been reported in the literature or in a large population database (gnomAD), indicating this variant is rare. At this time, the clinical significance of this variant is uncertain due to the absence of conclusive functional and genetic evidence.

NM_001128178.3(NPHP1):c.855G>C (p.Glu285Asp)

Gene: NPHP1 (nephrocystin 1; minus strand). Cytogenetic location: 2q13.
Variant type: single nucleotide variant.
Coding change: c.855G>C on transcript NM_001128178.3 (MANE Select); coding-DNA position 855, G replaced by C.
Protein change: p.Glu285Asp; replaces glutamic acid 285 with aspartic acid.
Molecular consequence: missense variant.
Genome position (GRCh38, 1-based): chr2:110,163,052, C>G on the plus strand (G>C on the coding strand, the complement: NPHP1 is on the minus strand). VCF-style: chr2-110163052-C-G. GRCh37 (hg19) VCF-style: chr2-110920629-C-G.
Other names: c.1023G>C, p.Glu341Asp (NM_000272.5); c.666G>C, p.Glu222Asp (NM_001128179.3); c.852G>C, p.Glu284Asp (NM_001374256.1); c.855G>C, p.Glu285Asp (NM_001374257.1); c.1020G>C, p.Glu340Asp (NM_207181.4); short protein forms E284D, E340D, E341D, E222D, E285D.
Identifiers: ClinVar variation 4999867 (VCV004999867.1).
Genomic context (GRCh38, chr2:110,163,052, plus strand): 5'-ACGTGGATCTTGACTGCTTTGCTGAAAGAGTGCAGTGGCTGATAGGCACGCATTACCTTC[C>G]TCCAGAAGCTGTGAGAGCGTGGAAGGCCTGAACCCTGCAGGAATAGCTCCCATCGTAGTT-3'
Protein context (NP_001121650.1, residues 275-295): FRPSTLSQLL[Glu285Asp]EGNQFRANYF